The following is an entry in ClinVar:

ClinVar aggregate classification (germline): Uncertain significance. Review status: criteria provided, multiple submitters, no conflicts (2 of 4 stars). 3 submissions from 3 submitters: Uncertain significance (2). 1 of the submissions does not count toward it. Last evaluated 2026-01-12.

Conditions:
Usher syndrome type 2. Also called: Usher Syndrome Type II. Identifiers: Orphanet 231178, MedGen C0339534, MONDO:0016484.
USH2A-related disorder. Also called: USH2A-related condition; USH2A-related disorders. Identifiers: MedGen CN239332.

Allele frequency attached by ClinVar (database versions not stated): gnomAD exomes below 0.00001.
gnomAD v4.1: 1 of 1,612,808 alleles (0.000062%); highest among the groups gnomAD compares: Non-Finnish European, 0.000085%; no homozygotes.

Submissions (3):

Myriad Genetics, Inc.
Classification: Uncertain significance for USH2A-related disorder. Last evaluated: 2026-01-12. Review status: criteria provided, single submitter. Criteria: Myriad Autosomal Dominant, Autosomal Recessive and X-Linked Classification Criteria (2023). Collection method: clinical testing. Allele origin: unknown.
Comment: NM_206933.2(USH2A):c.2996G>T(C999F) is a missense variant classified as a variant of uncertain significance in the context of USH2A-related disorders. C999F has been observed in a case with relevant disease (PMID: 37287646). Relevant functional assessments of this variant are not available in the literature. C999F has not been observed in referenced population frequency databases. In summary, there is insufficient evidence to classify NM_206933.2(USH2A):c.2996G>T(C999F) as pathogenic or benign. Please note: this variant was assessed in the context of healthy population screening.

Labcorp Genetics (formerly Invitae), Labcorp
Classification: Uncertain significance. Last evaluated: 2021-07-14. Review status: criteria provided, single submitter. Criteria: Invitae Variant Classification Sherloc (09022015). Collection method: clinical testing. Allele origin: germline.
Comment: In summary, the available evidence is currently insufficient to determine the role of this variant in disease. Therefore, it has been classified as a Variant of Uncertain Significance. Algorithms developed to predict the effect of missense changes on protein structure and function are either unavailable or do not agree on the potential impact of this missense change (SIFT: "Deleterious"; PolyPhen-2: "Probably Damaging"; Align-GVGD: "Class C0"). This variant has been observed in individual(s) with retinitis pigmentosa (Invitae). This variant is not present in population databases (ExAC no frequency). This sequence change replaces cysteine with phenylalanine at codon 999 of the USH2A protein (p.Cys999Phe). The cysteine residue is highly conserved and there is a large physicochemical difference between cysteine and phenylalanine.

Ophthalmo-Genetics Lab, Instituto de Oftalmologia Conde de Valenciana
Classification: Likely pathogenic for Usher syndrome type 2. Last evaluated: 2022-11-14. Review status: no assertion criteria provided. Collection method: clinical testing. Allele origin: germline. Inheritance: Autosomal recessive inheritance. Affected: yes. Observed: 1 compound heterozygote. Not counted in ClinVar's aggregate classification.
Comment: This variant is likely pathogenic: PP1( manual), PP4 (manual), PM3 (manual), PM2.

Literature cited by the submitters: PubMed 37287646 (cited by Myriad Genetics, Inc.); PubMed 35076463 (cited by Ophthalmo-Genetics Lab, Instituto de Oftalmologia Conde de Valenciana).

NM_206933.4(USH2A):c.2996G>T (p.Cys999Phe)

Genes: USH2A (usherin; minus strand), USH2A-AS1 (USH2A antisense RNA 1; plus strand). Cytogenetic location: 1q41.
Variant type: single nucleotide variant.
Coding change: c.2996G>T on transcript NM_206933.4 (MANE Select); coding-DNA position 2996, G replaced by T.
Protein change: p.Cys999Phe; replaces cysteine 999 with phenylalanine.
Molecular consequence: missense variant.
Genome position (GRCh38, 1-based): chr1:216,217,548, C>A on the plus strand (G>T on the coding strand, the complement: USH2A is on the minus strand). VCF-style: chr1-216217548-C-A. GRCh37 (hg19) VCF-style: chr1-216390890-C-A.
Other names: c.2996G>T, p.Cys999Phe (NM_007123.6); short protein forms C999F.
Identifiers: ClinVar variation 1505313 (VCV001505313.9), dbSNP rs2102496508, ClinGen allele CA344863026.